The following is an entry in ClinVar:

ClinVar aggregate classification (germline): Uncertain significance (1 of 4 stars; one submission).

Allele frequency attached by ClinVar (database versions not stated): gnomAD exomes below 0.00001; gnomAD 0.00001; TOPMed 0.00001.

Submission:

Labcorp Genetics (formerly Invitae), Labcorp
Classification: Uncertain significance. Last evaluated: 2022-10-05. Review status: criteria provided, single submitter. Criteria: Invitae Variant Classification Sherloc (09022015). Collection method: clinical testing. Allele origin: germline.
Comment: In summary, the available evidence is currently insufficient to determine the role of this variant in disease. Therefore, it has been classified as a Variant of Uncertain Significance. Experimental studies and prediction algorithms are not available or were not evaluated, and the functional significance of this variant is currently unknown. This variant has not been reported in the literature in individuals affected with ACY1-related conditions. This variant is present in population databases (no rsID available, gnomAD 0.006%). This sequence change creates a premature translational stop signal (p.Ile342Aspfs*7) in the ACY1 gene. While this is not anticipated to result in nonsense mediated decay, it is expected to disrupt the last 67 amino acid(s) of the ACY1 protein.

NM_000666.3(ACY1):c.1023dup (p.Ile342fs)

Genes: ACY1 (aminoacylase 1; plus strand), ABHD14A-ACY1 (ABHD14A-ACY1 readthrough; plus strand). Cytogenetic location: 3p21.2.
Variant type: Duplication.
Coding change: c.1023dup on transcript NM_000666.3 (MANE Select); coding-DNA position 1023, one base duplicated (G; older notation c.1023dupG).
Protein change: p.Ile342fs; shifts the reading frame from isoleucine 342.
Molecular consequence: frameshift variant.
Genome position (GRCh38, 1-based): chr3:51,988,787, G duplicated. VCF-style (leftmost placement, unchanged base first): chr3-51988786-A-AG. GRCh37 (hg19) VCF-style: chr3-52022802-A-AG.
Other names: c.1293dup, p.Ile432fs (NM_001316331.2); c.1023dup, p.Ile342fs (NM_001198895.2); c.807dup, p.Ile270fs (NM_001198896.2); c.828dup, p.Ile277fs (NM_001198897.2); c.918dup, p.Ile307fs (NM_001198898.2); short protein forms I432fs, I307fs, I277fs, I342fs, I270fs.
Identifiers: ClinVar variation 1982042 (VCV001982042.4), dbSNP rs1559782312, ClinGen allele CA542887458.